The following is an entry in ClinVar:

NM_020297.4(ABCC9):c.4512+748T>G

Genes: ABCC9 (ATP binding cassette subfamily C member 9; minus strand), KCNJ8-AS1 (KCNJ8 antisense RNA 1; plus strand). Cytogenetic location: 12p12.1.
Variant type: single nucleotide variant.
Coding change: c.4512+748T>G on transcript NM_020297.4 (MANE Select); 748 bases into the intron after coding-DNA position 4512, T replaced by G.
Molecular consequence: intron variant. On other transcripts: missense variant (1).
Genome position (GRCh38, 1-based): chr12:21,805,250, A>C on the plus strand (T>G on the coding strand, the complement: ABCC9 is on the minus strand). VCF-style: chr12-21805250-A-C. GRCh37 (hg19) VCF-style: chr12-21958184-A-C.
Other names: c.4574T>G, p.Val1525Gly (NM_005691.4); c.3645+748T>G (NM_001377274.1); c.4512+748T>G (NM_001377273.1); short protein forms V1525G.
Identifiers: ClinVar variation 2012966 (VCV002012966.4), dbSNP rs1941753268, ClinGen allele CA384129217.
Genomic context (GRCh38, chr12:21,805,250, plus strand): 5'-ACCAAAGTGGAAAAGAGGCCATTCTTGTGGGCGAGCAAATTTGGGACAGTATCACACTCC[A>C]CTAAAATACCCTCAGAAAAGACTAAAACAAGGCCTGCATCCATAATAGAAGAGACACGGT-3'

ClinVar aggregate classification (germline): Uncertain significance (1 of 4 stars; one submission).

Conditions:
Dilated cardiomyopathy 1O (CMD1O). Also called: CARDIOMYOPATHY, DILATED, WITH VENTRICULAR TACHYCARDIA. Identifiers: Orphanet 154, MedGen C1837839, MONDO:0012062, OMIM 608569.

Submission:

Labcorp Genetics (formerly Invitae), Labcorp
Classification: Uncertain significance for Dilated cardiomyopathy 1O. Last evaluated: 2022-07-13. Review status: criteria provided, single submitter. Criteria: Invitae Variant Classification Sherloc (09022015). Collection method: clinical testing. Allele origin: germline.
Comment: This variant has not been reported in the literature in individuals affected with ABCC9-related conditions. In summary, the available evidence is currently insufficient to determine the role of this variant in disease. Therefore, it has been classified as a Variant of Uncertain Significance. Algorithms developed to predict the effect of missense changes on protein structure and function are either unavailable or do not agree on the potential impact of this missense change (SIFT: "Deleterious"; PolyPhen-2: "Benign"; Align-GVGD: "Class C0"). This variant is not present in population databases (gnomAD no frequency). This sequence change replaces valine, which is neutral and non-polar, with glycine, which is neutral and non-polar, at codon 1525 of the ABCC9 protein (p.Val1525Gly).